The following is an entry in ClinVar:

NM_006912.6(RIT1):c.381A>G (p.Thr127=)

Gene: RIT1 (Ras like without CAAX 1; minus strand). Cytogenetic location: 1q22.
Variant type: single nucleotide variant.
Coding change: c.381A>G on transcript NM_006912.6 (MANE Select); coding-DNA position 381, A replaced by G.
Protein change: p.Thr127=; no amino-acid change (threonine 127 retained).
Molecular consequence: synonymous variant.
Genome position (GRCh38, 1-based): chr1:155,904,359, T>C on the plus strand (A>G on the coding strand, the complement: RIT1 is on the minus strand). VCF-style: chr1-155904359-T-C. GRCh37 (hg19) VCF-style: chr1-155874150-T-C.
Other names: c.273A>G, p.Thr91= (NM_001256820.2); c.432A>G, p.Thr144= (NM_001256821.2).
Identifiers: ClinVar variation 1804784 (VCV001804784.7), dbSNP rs1206873288, ClinGen allele CA421058844.
Genomic context (GRCh38, chr1:155,904,359, plus strand): 5'-CTCTATCCTCACCTGTCTTAGCTGTTTGAGGTCTGACTTGTTTCCCACAAGAACCACAGG[T>C]GTATCGTCAGTACGTCGGACTCGATAAATAAGCTGTTTAAACTCACGAACTTCATGGAAA-3'
Protein context (NP_008843.1, residues 117-137): LIYRVRRTDD[Thr127=]PVVLVGNKSD

ClinVar aggregate classification (germline): Likely benign. Review status: criteria provided, multiple submitters, no conflicts (2 of 4 stars). 3 submissions from 3 submitters: Likely benign (3). Last evaluated 2025-05-22.

Conditions:
Noonan syndrome 8 (NS8). Identifiers: Orphanet 648, MedGen C3809233, MONDO:0014143, OMIM 615355.

gnomAD v4.1: 1 of 1,614,022 alleles (0.000062%); highest among the groups gnomAD compares: Admixed American, 0.0017%; no homozygotes.

Submissions (3):

Labcorp Genetics (formerly Invitae), Labcorp
Classification: Likely benign for Noonan syndrome 8. Last evaluated: 2025-05-22. Review status: criteria provided, single submitter. Criteria: Invitae Variant Classification Sherloc (09022015). Collection method: clinical testing. Allele origin: germline.

Genome-Nilou Lab
Classification: Likely benign for Noonan syndrome 8. Last evaluated: 2023-04-11. Review status: criteria provided, single submitter. Criteria: ACMG Guidelines, 2015. Collection method: clinical testing. Allele origin: germline. Affected: no.

Women's Health and Genetics/Laboratory Corporation of America, LabCorp
Classification: Likely benign. Last evaluated: 2022-11-21. Review status: criteria provided, single submitter. Criteria: LabCorp Variant Classification Summary - May 2015. Collection method: clinical testing. Allele origin: germline.
Comment: Variant summary: RIT1 c.381A>G alters a conserved nucleotide resulting in a synonymous change. 4/4 computational tools predict no significant impact on normal splicing. However, these predictions have yet to be confirmed by functional studies. The variant was absent in 251442 control chromosomes (gnomAD). The available data on variant occurrences in the general population are insufficient to allow any conclusion about variant significance. To our knowledge, no occurrence of c.381A>G in individuals affected with Noonan Syndrome and no experimental evidence demonstrating its impact on protein function have been reported. No clinical diagnostic laboratories have submitted clinical-significance assessments for this variant to ClinVar after 2014. Based on the evidence outlined above, the variant was classified as likely benign.